The following is an entry in ClinVar:

ClinVar aggregate classification (germline): Uncertain significance (1 of 4 stars; one submission).

Allele frequency attached by ClinVar (database versions not stated): TOPMed below 0.00001; gnomAD 0.00001.
gnomAD v4.1: 1 of 1,210,310 alleles (0.000083%); highest among the groups gnomAD compares: African/African-American, 0.0017%; no homozygotes.

Submission:

GeneDx
Classification: Uncertain significance. Last evaluated: 2021-04-28. Review status: criteria provided, single submitter. Criteria: GeneDx Variant Classification Process June 2021. Collection method: clinical testing. Allele origin: germline. Affected: yes.
Comment: Not observed in large population cohorts (Lek et al., 2016); In silico analysis supports that this missense variant has a deleterious effect on protein structure/function; Has not been previously published as pathogenic or benign to our knowledge

NM_001029896.2(WDR45):c.421C>G (p.Arg141Gly)

Gene: WDR45 (WD repeat domain 45; minus strand). Cytogenetic location: Xp11.23.
Variant type: single nucleotide variant.
Coding change: c.421C>G on transcript NM_001029896.2 (MANE Select); coding-DNA position 421, C replaced by G.
Protein change: p.Arg141Gly; replaces arginine 141 with glycine.
Molecular consequence: missense variant.
Genome position (GRCh38, 1-based): chrX:49,076,445, G>C on the plus strand (C>G on the coding strand, the complement: WDR45 is on the minus strand). VCF-style: chrX-49076445-G-C. GRCh37 (hg19) VCF-style: chrX-48934104-G-C.
Other names: c.424C>G, p.Arg142Gly (NM_007075.4); short protein forms R141G, R142G.
Identifiers: ClinVar variation 1313145 (VCV001313145.2), dbSNP rs373717091, ClinGen allele CA412945984.